The following is an entry in ClinVar:

NM_000535.7(PMS2):c.1456G>C (p.Asp486His)

Gene: PMS2 (PMS1 homolog 2, mismatch repair system component; minus strand). Cytogenetic location: 7p22.1.
Variant type: single nucleotide variant.
Coding change: c.1456G>C on transcript NM_000535.7 (MANE Select); coding-DNA position 1456, G replaced by C.
Protein change: p.Asp486His; replaces aspartic acid 486 with histidine.
Molecular consequence: missense variant. On other transcripts: non-coding transcript variant (1).
Genome position (GRCh38, 1-based): chr7:5,987,309, C>G on the plus strand (G>C on the coding strand, the complement: PMS2 is on the minus strand). VCF-style: chr7-5987309-C-G. GRCh37 (hg19) VCF-style: chr7-6026940-C-G.
Other names: c.1456G>C (NM_000535.5); c.1051G>C, p.Asp351His (NM_001322003.2, NM_001322004.2, NM_001322005.2 and 1 more transcripts); c.1300G>C, p.Asp434His (NM_001322006.2); c.1138G>C, p.Asp380His (NM_001322007.2, NM_001322008.2); c.895G>C, p.Asp299His (NM_001322010.2); c.523G>C, p.Asp175His (NM_001322011.2, NM_001322012.2); c.883G>C, p.Asp295His (NM_001322013.2); c.1456G>C, p.Asp486His (NM_001322014.2); and 1 more; short protein forms D295H, D351H, D380H, D434H, D175H, D383H, D486H, D299H.
Identifiers: ClinVar variation 1398859 (VCV001398859.10), dbSNP rs2128730228, ClinGen allele CA366741923.

ClinVar aggregate classification (germline): Conflicting classifications of pathogenicity. Review status: criteria provided, conflicting classifications (1 of 4 stars). 4 submissions from 4 submitters: Uncertain significance (3); Likely benign (1). Last evaluated 2025-10-08.

Conditions:
Hereditary nonpolyposis colorectal neoplasms. Identifiers: MedGen C0009405, MeSH D003123.
Hereditary cancer-predisposing syndrome. Also called: Hereditary Cancer Syndrome; Hereditary neoplastic syndrome; Tumor predisposition; Neoplastic Syndromes, Hereditary. Identifiers: Orphanet 140162, MedGen C0027672, MeSH D009386, MONDO:0015356.
Lynch syndrome. Identifiers: Orphanet 144, MedGen C4552100, MONDO:0005835. Disease mechanism: loss of function.

Submissions (4):

Labcorp Genetics (formerly Invitae), Labcorp
Classification: Uncertain significance for Hereditary nonpolyposis colorectal neoplasms. Last evaluated: 2025-10-08. Review status: criteria provided, single submitter. Criteria: Invitae Variant Classification Sherloc (09022015). Collection method: clinical testing. Allele origin: germline.
Comment: This sequence change replaces aspartic acid, which is acidic and polar, with histidine, which is basic and polar, at codon 486 of the PMS2 protein (p.Asp486His). This variant is not present in population databases (gnomAD no frequency). This variant has not been reported in the literature in individuals affected with PMS2-related conditions. ClinVar contains an entry for this variant (Variation ID: 1398859). Invitae Evidence Modeling incorporating data from in vitro experimental studies (internal data) indicates that this missense variant is not expected to disrupt PMS2 function with a negative predictive value of 95%. In summary, the available evidence is currently insufficient to determine the role of this variant in disease. Therefore, it has been classified as a Variant of Uncertain Significance.

Ambry Genetics
Classification: Uncertain significance for Hereditary cancer-predisposing syndrome. Last evaluated: 2025-09-26. Review status: criteria provided, single submitter. Criteria: Ambry Variant Classification Scheme 2023. Collection method: clinical testing. Allele origin: germline.
Comment: The p.D486H variant (also known as c.1456G>C), located in coding exon 11 of the PMS2 gene, results from a G to C substitution at nucleotide position 1456. The aspartic acid at codon 486 is replaced by histidine, an amino acid with similar properties. This amino acid position is not well conserved in available vertebrate species. In addition, this alteration is predicted to be tolerated by in silico analysis. Since supporting evidence is limited at this time, the clinical significance of this alteration remains unclear.

Color Diagnostics, LLC DBA Color Health
Classification: Likely benign for Hereditary cancer-predisposing syndrome. Last evaluated: 2024-10-29. Review status: criteria provided, single submitter. Criteria: ACMG Guidelines, 2015. Collection method: clinical testing. Allele origin: germline.

All of Us Research Program, National Institutes of Health
Classification: Uncertain significance for Lynch syndrome. Last evaluated: 2024-08-31. Review status: criteria provided, single submitter. Criteria: ACMG Guidelines, 2015. Collection method: clinical testing. Allele origin: germline. Inheritance: Autosomal dominant inheritance. Observed: 1 variant allele, 1 heterozygote.
Comment: This study involves interpretation of variants in research participants for the purpose of population health screening. Participant phenotype was not available at the time of variant classification. Additional details can be found in publication PMID: 35346344, PMCID: PMC8962531